The following is an entry in ClinVar:

NM_003743.5(NCOA1):c.3914C>T (p.Thr1305Met)

Gene: NCOA1 (nuclear receptor coactivator 1; plus strand). Cytogenetic location: 2p23.3.
Variant type: single nucleotide variant.
Coding change: c.3914C>T on transcript NM_003743.5 (MANE Select); coding-DNA position 3914, C replaced by T.
Protein change: p.Thr1305Met; replaces threonine 1305 with methionine.
Molecular consequence: missense variant.
Genome position (GRCh38, 1-based): chr2:24,758,005, C>T. VCF-style: chr2-24758005-C-T. GRCh37 (hg19) VCF-style: chr2-24980874-C-T.
Other names: c.3914C>T, p.Thr1305Met (NM_001362950.1, NM_001362952.1, NM_001362954.1 and 3 more transcripts); short protein forms T1305M.
Identifiers: ClinVar variation 3358064 (VCV003358064.1).

ClinVar aggregate classification (germline): Uncertain significance (0 of 4 stars; one submission).

Conditions:
NCOA1-related disorder. Also called: NCOA1-related condition.

gnomAD v4.1: 26 of 1,613,932 alleles (0.0016%); highest among the groups gnomAD compares: Middle Eastern, 0.016%; no homozygotes.

Submission:

PreventionGenetics, part of Exact Sciences
Classification: Uncertain significance for NCOA1-related condition. Last evaluated: 2024-08-12. Review status: no assertion criteria provided. Collection method: clinical testing. Allele origin: germline.
Comment: The NCOA1 c.3914C>T variant is predicted to result in the amino acid substitution p.Thr1305Met. To our knowledge, this variant has not been reported in the literature. This variant is reported in 0.0054% of alleles in individuals of East Asian descent in gnomAD. At this time, the clinical significance of this variant is uncertain due to the absence of conclusive functional and genetic evidence.